The following is an entry in ClinVar:

NM_003579.4(RAD54L):c.736G>A (p.Gly246Arg)

Gene: RAD54L (RAD54 like; plus strand). Cytogenetic location: 1p34.1.
Variant type: single nucleotide variant.
Coding change: c.736G>A on transcript NM_003579.4 (MANE Select); coding-DNA position 736, G replaced by A.
Protein change: p.Gly246Arg; replaces glycine 246 with arginine.
Molecular consequence: missense variant.
Genome position (GRCh38, 1-based): chr1:46,260,985, G>A. VCF-style: chr1-46260985-G-A. GRCh37 (hg19) VCF-style: chr1-46726657-G-A.
Other names: c.736G>A, p.Gly246Arg (NM_001142548.2); c.196G>A, p.Gly66Arg (NM_001370766.1); short protein forms G246R, G66R.
Identifiers: ClinVar variation 1758554 (VCV001758554.2), dbSNP rs1169874550, ClinGen allele CA340187838.

ClinVar aggregate classification (germline): Uncertain significance (1 of 4 stars; one submission).

Allele frequency attached by ClinVar (database versions not stated): gnomAD exomes below 0.00001; TOPMed 0.00002; gnomAD 0.00003.
gnomAD v4.1: 11 of 1,613,878 alleles (0.00068%); highest among the groups gnomAD compares: Admixed American, 0.012%; no homozygotes.

Submission:

Ambry Genetics
Classification: Uncertain significance. Last evaluated: 2023-12-29. Review status: criteria provided, single submitter. Criteria: Ambry Variant Classification Scheme 2023. Collection method: clinical testing. Allele origin: germline.
Comment: The p.G246R variant (also known as c.736G>A), located in coding exon 7 of the RAD54L gene, results from a G to A substitution at nucleotide position 736. The glycine at codon 246 is replaced by arginine, an amino acid with dissimilar properties. This amino acid position is conserved. In addition, this alteration is predicted to be deleterious by in silico analysis. Since supporting evidence is limited at this time, the clinical significance of this alteration remains unclear.